The following is an entry in ClinVar:

NM_021831.6(AGBL5):c.1299_1300delinsTT (p.His434Tyr)

Gene: AGBL5 (AGBL carboxypeptidase 5; plus strand). Cytogenetic location: 2p23.3.
Variant type: Indel.
Coding change: c.1299_1300delinsTT on transcript NM_021831.6 (MANE Select); coding-DNA positions 1299 to 1300, GC replaced by TT.
Protein change: p.His434Tyr; replaces histidine 434 with tyrosine.
Molecular consequence: missense variant. On other transcripts: non-coding transcript variant (2).
Genome position (GRCh38, 1-based): chr2:27,056,072-27,056,073, GC replaced by TT. VCF-style: chr2-27056072-GC-TT. GRCh37 (hg19) VCF-style: chr2-27278940-GC-TT.
Other names: c.1299_1300delinsTT, p.His434Tyr (NM_001035507.3); short protein forms H434Y.
Identifiers: ClinVar variation 1373738 (VCV001373738.6), dbSNP rs2148277098, ClinGen allele CA2573134490.

ClinVar aggregate classification (germline): Uncertain significance (1 of 4 stars; one submission).

Submission:

Labcorp Genetics (formerly Invitae), Labcorp
Classification: Uncertain significance. Last evaluated: 2024-10-29. Review status: criteria provided, single submitter. Criteria: Invitae Variant Classification Sherloc (09022015). Collection method: clinical testing. Allele origin: germline.
Comment: This sequence change replaces histidine with tyrosine at codon 434 of the AGBL5 protein (p.His434Tyr). The histidine residue is highly conserved and there is a moderate physicochemical difference between histidine and tyrosine. Information on the frequency of this variant in the gnomAD database is not available, as this variant may be reported differently in the database. This variant has not been reported in the literature in individuals affected with AGBL5-related conditions. ClinVar contains an entry for this variant (Variation ID: 1373738). Experimental studies and prediction algorithms are not available or were not evaluated, and the functional significance of this variant is currently unknown. In summary, the available evidence is currently insufficient to determine the role of this variant in disease. Therefore, it has been classified as a Variant of Uncertain Significance.